The following is an entry in ClinVar:

ClinVar aggregate classification (germline): Uncertain significance (1 of 4 stars; one submission).

Submission:

GeneDx
Classification: Uncertain significance. Last evaluated: 2023-08-27. Review status: criteria provided, single submitter. Criteria: GeneDx Variant Classification Process June 2021. Collection method: clinical testing. Allele origin: germline. Affected: yes.
Comment: Not observed at significant frequency in large population cohorts (gnomAD); In silico analysis supports that this missense variant has a deleterious effect on protein structure/function; Has not been previously published as pathogenic or benign to our knowledge

NM_006593.4(TBR1):c.1292T>C (p.Phe431Ser)

Gene: TBR1 (T-box brain transcription factor 1; plus strand). Cytogenetic location: 2q24.2.
Variant type: single nucleotide variant.
Coding change: c.1292T>C on transcript NM_006593.4 (MANE Select); coding-DNA position 1292, T replaced by C.
Protein change: p.Phe431Ser; replaces phenylalanine 431 with serine.
Molecular consequence: missense variant.
Genome position (GRCh38, 1-based): chr2:161,423,470, T>C. VCF-style: chr2-161423470-T-C. GRCh37 (hg19) VCF-style: chr2-162279981-T-C.
Other names: short protein forms F431S.
Identifiers: ClinVar variation 2579338 (VCV002579338.1), dbSNP rs2468099023, ClinGen allele CA349213403.